The following is an entry in ClinVar:

NM_005188.4(CBL):c.650C>T (p.Ser217Phe)

Gene: CBL (Cbl proto-oncogene; plus strand). Cytogenetic location: 11q23.3.
Variant type: single nucleotide variant.
Coding change: c.650C>T on transcript NM_005188.4 (MANE Select); coding-DNA position 650, C replaced by T.
Protein change: p.Ser217Phe; replaces serine 217 with phenylalanine.
Molecular consequence: missense variant.
Genome position (GRCh38, 1-based): chr11:119,273,927, C>T. VCF-style: chr11-119273927-C-T. GRCh37 (hg19) VCF-style: chr11-119144637-C-T.
Other names: c.650C>T (NM_005188.2); short protein forms S217F.
Identifiers: ClinVar variation 1720753 (VCV001720753.6), dbSNP rs1414264462, ClinGen allele CA382909272.

ClinVar aggregate classification (germline): Uncertain significance. Review status: criteria provided, multiple submitters, no conflicts (2 of 4 stars). 2 submissions from 2 submitters: Uncertain significance (2). Last evaluated 2026-02-23.

Conditions:
Cardiovascular phenotype. Identifiers: MedGen CN230736.
RASopathy. Also called: Noonan spectrum disorder; rasopathies. Identifiers: Orphanet 536391, MedGen C5555857, MONDO:0021060.

Submissions (2):

Ambry Genetics
Classification: Uncertain significance for Cardiovascular phenotype. Last evaluated: 2026-02-23. Review status: criteria provided, single submitter. Criteria: Ambry Variant Classification Scheme 2023. Collection method: clinical testing. Allele origin: germline.
Comment: The p.S217F variant (also known as c.650C>T), located in coding exon 4 of the CBL gene, results from a C to T substitution at nucleotide position 650. The serine at codon 217 is replaced by phenylalanine, an amino acid with highly dissimilar properties. This amino acid position is conserved. In addition, this alteration is predicted to be deleterious by in silico analysis. Based on the available evidence, the clinical significance of this variant remains unclear.

Labcorp Genetics (formerly Invitae), Labcorp
Classification: Uncertain significance for RASopathy. Last evaluated: 2022-10-01. Review status: criteria provided, single submitter. Criteria: Invitae Variant Classification Sherloc (09022015). Collection method: clinical testing. Allele origin: germline.
Comment: In summary, the available evidence is currently insufficient to determine the role of this variant in disease. Therefore, it has been classified as a Variant of Uncertain Significance. Advanced modeling of protein sequence and biophysical properties (such as structural, functional, and spatial information, amino acid conservation, physicochemical variation, residue mobility, and thermodynamic stability) has been performed at Invitae for this missense variant, however the output from this modeling did not meet the statistical confidence thresholds required to predict the impact of this variant on CBL protein function. This variant has not been reported in the literature in individuals affected with CBL-related conditions. This variant is not present in population databases (gnomAD no frequency). This sequence change replaces serine, which is neutral and polar, with phenylalanine, which is neutral and non-polar, at codon 217 of the CBL protein (p.Ser217Phe).